The following is an entry in ClinVar:

NM_130837.3(OPA1):c.2012+3A>G

Gene: OPA1 (OPA1 mitochondrial dynamin like GTPase; plus strand). Cytogenetic location: 3q29.
Variant type: single nucleotide variant.
Coding change: c.2012+3A>G on transcript NM_130837.3 (MANE Select); 3 bases into the intron after coding-DNA position 2012, A replaced by G.
Molecular consequence: intron variant.
Genome position (GRCh38, 1-based): chr3:193,648,874, A>G. VCF-style: chr3-193648874-A-G. GRCh37 (hg19) VCF-style: chr3-193366663-A-G.
Other names: c.1475+3A>G (NM_001354664.2); c.1478+3A>G (NM_001354663.2); c.1901+3A>G (NM_130834.3); c.1958+3A>G (NM_130836.3); c.1847+3A>G (NM_015560.3); c.1904+3A>G (NM_130835.3); c.1793+3A>G (NM_130832.3); c.1850+3A>G (NM_130833.3); and 1 more.
Identifiers: ClinVar variation 4754477 (VCV004754477.1).

ClinVar aggregate classification (germline): Uncertain significance (1 of 4 stars; one submission).

gnomAD v4.1: 1 of 1,568,850 alleles (0.000064%); highest among the groups gnomAD compares: Admixed American, 0.0017%; no homozygotes.

Submission:

Labcorp Genetics (formerly Invitae), Labcorp
Classification: Uncertain significance. Last evaluated: 2025-10-08. Review status: criteria provided, single submitter. Criteria: Invitae Variant Classification Sherloc (09022015). Collection method: clinical testing. Allele origin: germline.
Comment: This sequence change falls in intron 19 of the OPA1 gene. It does not directly change the encoded amino acid sequence of the OPA1 protein. It affects a nucleotide within the consensus splice site. This variant is not present in population databases (gnomAD no frequency). This variant has not been reported in the literature in individuals affected with OPA1-related conditions. Variants that disrupt the consensus splice site are a relatively common cause of aberrant splicing (PMID: 17576681, 9536098). Algorithms developed to predict the effect of sequence changes on RNA splicing suggest that this variant is not likely to affect RNA splicing. In summary, the available evidence is currently insufficient to determine the role of this variant in disease. Therefore, it has been classified as a Variant of Uncertain Significance.

Literature cited by the submitters: PubMed 17576681; PubMed 9536098.